The following is an entry in ClinVar:

NM_033109.5(PNPT1):c.739G>C (p.Val247Leu)

Gene: PNPT1 (polyribonucleotide nucleotidyltransferase 1; minus strand). Cytogenetic location: 2p16.1.
Variant type: single nucleotide variant.
Coding change: c.739G>C on transcript NM_033109.5 (MANE Select); coding-DNA position 739, G replaced by C.
Protein change: p.Val247Leu; replaces valine 247 with leucine.
Molecular consequence: missense variant.
Genome position (GRCh38, 1-based): chr2:55,673,020, C>G on the plus strand (G>C on the coding strand, the complement: PNPT1 is on the minus strand). VCF-style: chr2-55673020-C-G. GRCh37 (hg19) VCF-style: chr2-55900155-C-G.
Other names: short protein forms V247L.
Identifiers: ClinVar variation 4527726 (VCV004527726.3).
Genomic context (GRCh38, chr2:55,673,020, plus strand): 5'-CAGTTTCTTTTACCAACTGCTGAATGCCCTGAATTATTTGTTGGGTATATTTCACTCCCA[C>G]TTTGATAGCATGGCAAAAGTCCTGCTGTAAAATGTTCTCTGCAGAGGCTTCCAACATGAC-3'
Protein context (NP_149100.2, residues 237-257): LQQDFCHAIK[Val247Leu]GVKYTQQIIQ

ClinVar aggregate classification (germline): Uncertain significance. Review status: criteria provided, multiple submitters, no conflicts (2 of 4 stars). 2 submissions from 2 submitters: Uncertain significance (2). Last evaluated 2026-03-03.

gnomAD v4.1: 8 of 1,612,678 alleles (0.0005%); highest among the groups gnomAD compares: South Asian, 0.0055%; no homozygotes.

Submissions (2):

GeneDx
Classification: Uncertain significance. Last evaluated: 2026-03-03. Review status: criteria provided, single submitter. Criteria: GeneDx Variant Classification Process June 2021. Collection method: clinical testing. Allele origin: germline.
Comment: Not observed at significant frequency in large population cohorts (gnomAD); In silico analysis suggests that this missense variant does not alter protein structure/function; Has not been previously published as pathogenic or benign to our knowledge

Blueprint Genetics
Classification: Uncertain significance. Last evaluated: 2022-08-25. Review status: criteria provided, single submitter. Criteria: ACMG Guidelines, 2015. Collection method: clinical testing. Allele origin: germline.